The following is an entry in ClinVar:

ClinVar aggregate classification (germline): Pathogenic/Likely pathogenic. Review status: criteria provided, multiple submitters, no conflicts (2 of 4 stars). 7 submissions from 7 submitters: Pathogenic (5); Likely pathogenic (1). 1 of the submissions does not count toward it. Last evaluated 2026-01-26.

Conditions:
Tay-Sachs disease (TSD). Also called: Hexosaminidase A Deficiency; HEXA Disorders; HEXA DEFICIENCY; GM2 gangliosidosis, type 1; Hexosaminidase alpha-subunit deficiency (variant B); Sphingolipidosis, Tay-Sachs. Identifiers: Orphanet 845, MedGen C0039373, MONDO:0010100, OMIM 272800.

Allele frequency attached by ClinVar (database versions not stated): ExAC 0.00002.
gnomAD v4.1: 6 of 1,614,050 alleles (0.00037%); highest among the groups gnomAD compares: South Asian, 0.0066%; no homozygotes.

Submissions (7):

Natera, Inc.
Classification: Pathogenic for Tay-Sachs disease. Last evaluated: 2026-01-26. Review status: criteria provided, single submitter. Criteria: Natera Variant Classification Schema (03/2026). Collection method: clinical testing. Allele origin: germline.
Comment: The c.964G>T variant in HEXA is a missense variant predicted to cause substitution of aspartic acid to tyrosine at amino acid 322. This variant is rare in the general population with a frequency below the threshold expected for the associated phenotype(s). This variant has been observed in one or more individuals affected with the associated recessive disease, as either homozygous or compound heterozygous with a second variant (PMID: 31388111, 27896118, 35186388). Functional studies show that this variant may disrupt protein function (PMID: 27896118). Given the available evidence, this variant is classified as Pathogenic.

Labcorp Genetics (formerly Invitae), Labcorp
Classification: Pathogenic for Tay-Sachs disease. Last evaluated: 2025-10-24. Review status: criteria provided, single submitter. Criteria: Invitae Variant Classification Sherloc (09022015). Collection method: clinical testing. Allele origin: germline.
Comment: This sequence change replaces aspartic acid, which is acidic and polar, with tyrosine, which is neutral and polar, at codon 322 of the HEXA protein (p.Asp322Tyr). This variant is present in population databases (rs772180415, gnomAD 0.006%). This missense change has been observed in individual(s) with Tay-Sachs disease (PMID: 22390110, 22723944, 23852624). ClinVar contains an entry for this variant (Variation ID: 221281). Invitae Evidence Modeling of protein sequence and biophysical properties (such as structural, functional, and spatial information, amino acid conservation, physicochemical variation, residue mobility, and thermodynamic stability) indicates that this missense variant is expected to disrupt HEXA protein function with a positive predictive value of 95%. For these reasons, this variant has been classified as Pathogenic.

Women's Health and Genetics/Laboratory Corporation of America, LabCorp
Classification: Pathogenic for Tay-Sachs disease. Last evaluated: 2023-08-28. Review status: criteria provided, single submitter. Criteria: LabCorp Variant Classification Summary - May 2015. Collection method: clinical testing. Allele origin: germline.
Comment: Variant summary: HEXA c.964G>T (p.Asp322Tyr) results in a non-conservative amino acid change located in the Glycoside hydrolase family 20, catalytic domain (IPR015883) of the encoded protein sequence. Five of five in-silico tools predict a damaging effect of the variant on protein function. The variant allele was found at a frequency of 8e-06 in 251390 control chromosomes (gnomAD). c.964G>T has been reported in the literature in multiple compound heterozygous and homozygous individuals affected with Tay-Sachs Disease, gangliosidosis and suspected neurological disorders (Chan_2011, Sheth_2013, Ganapathy_2019, Mistri_2019, Gowda_2020). These data indicate that the variant is very likely to be associated with disease. To our knowledge, no experimental evidence demonstrating an impact on protein function has been reported. The following publications have been ascertained in the context of this evaluation (PMID: 22390110, 31069529, 35186388, 31388111, 22723944, 23852624). Three submitters have cited clinical-significance assessments for this variant to ClinVar after 2014. All submitters classified the variant as pathogenic (n=1) and likely pathogenic (n=2). Based on the evidence outlined above, the variant was classified as pathogenic.

Revvity Omics, Revvity
Classification: Likely pathogenic for Tay-Sachs disease. Last evaluated: 2019-06-10. Review status: criteria provided, single submitter. Criteria: ACMG Guidelines, 2015. Collection method: clinical testing. Allele origin: germline.

Foundation for Research in Genetics and Endocrinology, FRIGE's Institute of Human Genetics
Classification: Pathogenic for Tay-Sachs disease. Last evaluated: 2011-10-02. Review status: criteria provided, single submitter. Criteria: Submitter's publication. Collection method: clinical testing. Allele origin: germline. Inheritance: Autosomal recessive inheritance. Affected: yes. Observed: 4 variant alleles, 4 homozygotes.
Comment: This variant found to be pathogenic by online software including Mutation Taster, Polyphen2 and SIFT.

Neuberg Centre For Genomic Medicine, NCGM
Classification: Pathogenic for Tay-Sachs disease. Review status: criteria provided, single submitter. Criteria: ACMG Guidelines, 2015. Collection method: clinical testing. Allele origin: germline. Inheritance: Autosomal recessive inheritance. Affected: yes.
Comment: The missense variant p.D322Y in HEXA (NM_000520.6) has been reported previously in multiple affected individuals of Indian origin(Sheth J et al, Mistri M et al). The variant has been submitted to ClinVar as Likely Pathogenic/Pathogenic. The p.D322Y variant is observed in 2/30,616 (0.0065%) alleles from individuals of South Asian background in gnomAD Exomes and is novel (not in any individuals) in 1000 Genomes. The p.D322Y missense variant is predicted to be damaging by both SIFT and PolyPhen2. The aspartic acid residue at codon 322 of HEXA is conserved in all mammalian species. The nucleotide c.964 in HEXA is predicted conserved by GERP++ and PhyloP across 100 vertebrates. For these reasons, this variant has been classified as Pathogenic.

Counsyl
Classification: Likely pathogenic for Tay-Sachs disease. Last evaluated: 2016-11-02. Review status: no assertion criteria provided. Collection method: clinical testing. Allele origin: unknown. Not counted in ClinVar's aggregate classification.

Literature cited by the submitters: PubMed 31388111 (cited by Natera, Inc. and Women's Health and Genetics/Laboratory Corporation of America, LabCorp); PubMed 27896118 (cited by Natera, Inc.); PubMed 35186388 (cited by Natera, Inc. and Women's Health and Genetics/Laboratory Corporation of America, LabCorp); PubMed 22390110 (cited by 3 submitters); PubMed 22723944 (cited by 3 submitters); PubMed 23852624 (cited by 3 submitters); PubMed 31069529 (cited by Women's Health and Genetics/Laboratory Corporation of America, LabCorp).

NM_000520.6(HEXA):c.964G>T (p.Asp322Tyr)

Gene: HEXA (hexosaminidase subunit alpha; minus strand). Cytogenetic location: 15q23.
Variant type: single nucleotide variant.
Coding change: c.964G>T on transcript NM_000520.6 (MANE Select); coding-DNA position 964, G replaced by T.
Protein change: p.Asp322Tyr; replaces aspartic acid 322 with tyrosine.
Molecular consequence: missense variant. On other transcripts: non-coding transcript variant (1).
Genome position (GRCh38, 1-based): chr15:72,349,101, C>A on the plus strand (G>T on the coding strand, the complement: HEXA is on the minus strand). VCF-style: chr15-72349101-C-A. GRCh37 (hg19) VCF-style: chr15-72641442-C-A.
Other names: c.997G>T, p.Asp333Tyr (NM_001318825.2); c.964G>T (NM_000520.5); short protein forms D322Y, D333Y.
Identifiers: ClinVar variation 221281 (VCV000221281.20), dbSNP rs772180415, ClinGen allele CA074642.